The following is an entry in ClinVar:

ClinVar aggregate classification (germline): Pathogenic/Likely pathogenic. Review status: criteria provided, multiple submitters, no conflicts (2 of 4 stars). 4 submissions from 4 submitters: Pathogenic (3); Likely pathogenic (1). Last evaluated 2025-05-11.

Conditions:
Hematuria, benign familial, 1 (BFH1). Also called: THIN MEMBRANE NEPHROPATHY. Identifiers: MedGen CN376803, MONDO:0007709, OMIM 141200.
Alport syndrome. Also called: Hemorrhagic familial nephritis; Hemorrhagic hereditary nephritis; Congenital hereditary hematuria. Identifiers: Orphanet 63, MedGen C1567741, MONDO:0018965.

Allele frequency attached by ClinVar (database versions not stated): TOPMed below 0.00001.

Submissions (4):

Natera, Inc.
Classification: Likely pathogenic for Alport syndrome. Last evaluated: 2025-05-11. Review status: criteria provided, single submitter. Criteria: Natera Variant Classification Schema (03/2026). Collection method: clinical testing. Allele origin: germline.
Comment: The c.748C>T variant in COL4A4 is a nonsense variant predicted to introduce a stop codon at amino acid 250. This variant is expected to result in nonsense mediated decay, truncation, or a dysfunctional protein product. This variant is rare in the general population with a frequency below the threshold expected for the associated phenotype(s). Given the available evidence, this variant is classified as Likely Pathogenic.

Myriad Genetics, Inc.
Classification: Pathogenic for Alport syndrome. Last evaluated: 2024-05-08. Review status: criteria provided, single submitter. Criteria: Myriad Autosomal Dominant, Autosomal Recessive and X-Linked Classification Criteria (2023). Collection method: clinical testing. Allele origin: unknown.
Comment: NM_000092.4(COL4A4):c.748C>T(Q250*) is expected to be pathogenic in the context of Alport syndrome, COL4A4-related. This variant is predicted to lead to an abnormal or absent protein product due to the creation of a premature termination codon in COL4A4, a gene where loss-of-function variants are known to be pathogenic. Please note: this variant was assessed in the context of healthy population screening.

Labcorp Genetics (formerly Invitae), Labcorp
Classification: Pathogenic. Last evaluated: 2019-03-07. Review status: criteria provided, single submitter. Criteria: Invitae Variant Classification Sherloc (09022015). Collection method: clinical testing. Allele origin: germline.
Comment: For these reasons, this variant has been classified as Pathogenic. Loss-of-function variants in COL4A4 are known to be pathogenic (PMID: 11961012, 14582039, 19129241, 21196518, 24052634, 24522496, 24854265, 25307543, 26809805, 27281700). This variant has not been reported in the literature in individuals with COL4A4-related conditions. This variant is not present in population databases (ExAC no frequency). This sequence change creates a premature translational stop signal (p.Gln250*) in the COL4A4 gene. It is expected to result in an absent or disrupted protein product.

Clinical Genetics Service, Universitary Hospital 12 de Octubre
Classification: Pathogenic for Hematuria, benign familial, 1. Review status: criteria provided, single submitter. Criteria: ACMG Guidelines, 2015. Collection method: clinical testing. Allele origin: maternal. Affected: yes.

Literature cited by the submitters: PubMed 11961012 (cited by Labcorp Genetics (formerly Invitae), Labcorp); PubMed 14582039 (cited by Labcorp Genetics (formerly Invitae), Labcorp); PubMed 19129241 (cited by Labcorp Genetics (formerly Invitae), Labcorp); PubMed 21196518 (cited by Labcorp Genetics (formerly Invitae), Labcorp); PubMed 24052634 (cited by Labcorp Genetics (formerly Invitae), Labcorp); PubMed 24522496 (cited by Labcorp Genetics (formerly Invitae), Labcorp); PubMed 24854265 (cited by Labcorp Genetics (formerly Invitae), Labcorp); PubMed 25307543 (cited by Labcorp Genetics (formerly Invitae), Labcorp); PubMed 26809805 (cited by Labcorp Genetics (formerly Invitae), Labcorp); PubMed 27281700 (cited by Labcorp Genetics (formerly Invitae), Labcorp).

NM_000092.5(COL4A4):c.748C>T (p.Gln250Ter)

Gene: COL4A4 (collagen type IV alpha 4 chain; minus strand). Cytogenetic location: 2q36.3.
Variant type: single nucleotide variant.
Coding change: c.748C>T on transcript NM_000092.5 (MANE Select); coding-DNA position 748, C replaced by T.
Protein change: p.Gln250Ter; replaces glutamine 250 with a stop codon.
Molecular consequence: nonsense.
Genome position (GRCh38, 1-based): chr2:227,104,040, G>A on the plus strand (C>T on the coding strand, the complement: COL4A4 is on the minus strand). VCF-style: chr2-227104040-G-A. GRCh37 (hg19) VCF-style: chr2-227968756-G-A.
Other names: short protein forms Q250*.
Identifiers: ClinVar variation 852969 (VCV000852969.11), dbSNP rs2060674137, ClinGen allele CA350858443.